The following is an entry in ClinVar:

ClinVar aggregate classification (germline): Benign/Likely benign. Review status: criteria provided, multiple submitters, no conflicts (2 of 4 stars). 5 submissions from 3 submitters: Benign (2); Likely benign (3). Last evaluated 2025-08-10.

Conditions:
Complement component 3 deficiency. Identifiers: Orphanet 280133, MedGen C3151071, MONDO:0013417, OMIM 613779.
Age related macular degeneration 9. Identifiers: MedGen C1969651, MONDO:0012659, OMIM 611378.
Atypical hemolytic-uremic syndrome with C3 anomaly. Also called: AHUS, SUSCEPTIBILITY TO, 5. Identifiers: Orphanet 2134, MedGen C2752037, MONDO:0013043, OMIM 612925.

Allele frequency attached by ClinVar (database versions not stated): gnomAD exomes 0.00009 and 0.00036; gnomAD 0.00014 and 0.00019; TOPMed 0.00022; ExAC 0.00030; 1000 Genomes Project 30x 0.00094; 1000 Genomes Project 0.00120.
gnomAD v4.1: 154 of 1,613,694 alleles (0.0095%); highest among the groups gnomAD compares: East Asian, 0.33%; no homozygotes.

Submissions (5):

Mayo Clinic Laboratories, Mayo Clinic
Classification: Likely benign. Last evaluated: 2025-08-10. Review status: criteria provided, single submitter. Criteria: ACMG Guidelines, 2015. Collection method: clinical testing. Allele origin: germline. Observed: 3 variant alleles.
Comment: BP4, BP7

Labcorp Genetics (formerly Invitae), Labcorp
Classification: Benign. Last evaluated: 2025-04-14. Review status: criteria provided, single submitter. Criteria: Invitae Variant Classification Sherloc (09022015). Collection method: clinical testing. Allele origin: germline.

Illumina Laboratory Services, Illumina
Classification: Benign for Atypical hemolytic-uremic syndrome with C3 anomaly. Last evaluated: 2018-01-12. Review status: criteria provided, single submitter. Criteria: ICSL Variant Classification Criteria 13 December 2019. Collection method: clinical testing. Allele origin: germline.
Comment: This variant was observed in the ICSL laboratory as part of a predisposition screen in an ostensibly healthy population. It had not been previously curated by ICSL or reported in the Human Gene Mutation Database (HGMD: prior to June 1st, 2018), and was therefore a candidate for classification through an automated scoring system. Utilizing variant allele frequency, disease prevalence and penetrance estimates, and inheritance mode, an automated score was calculated to assess if this variant is too frequent to cause the disease. Based on the score and internal cut-off values, a variant classified as benign is not then subjected to further curation. The score for this variant resulted in a classification of benign for this disease.

Illumina Laboratory Services, Illumina
Classification: Likely benign for Complement component 3 deficiency. Last evaluated: 2018-01-12. Review status: criteria provided, single submitter. Criteria: ICSL Variant Classification Criteria 13 December 2019. Collection method: clinical testing. Allele origin: germline.
Comment: This variant was observed in the ICSL laboratory as part of a predisposition screen in an ostensibly healthy population. It had not been previously curated by ICSL or reported in the Human Gene Mutation Database (HGMD: prior to June 1st, 2018), and was therefore a candidate for classification through an automated scoring system. Utilizing variant allele frequency, disease prevalence and penetrance estimates, and inheritance mode, an automated score was calculated to assess if this variant is too frequent to cause the disease. Based on the score and internal cut-off values, a variant classified as likely benign is not then subjected to further curation. The score for this variant resulted in a classification of likely benign for this disease.

Illumina Laboratory Services, Illumina
Classification: Likely benign for Age related macular degeneration 9. Last evaluated: 2018-01-12. Review status: criteria provided, single submitter. Criteria: ICSL Variant Classification Criteria 13 December 2019. Collection method: clinical testing. Allele origin: germline.
Comment: the same text as in the submission from Illumina Laboratory Services, Illumina above.

NM_000064.4(C3):c.2184C>T (p.Cys728=)

Gene: C3 (complement C3; minus strand). Cytogenetic location: 19p13.3.
Variant type: single nucleotide variant.
Coding change: c.2184C>T on transcript NM_000064.4 (MANE Select); coding-DNA position 2184, C replaced by T.
Protein change: p.Cys728=; no amino-acid change (cysteine 728 retained).
Molecular consequence: synonymous variant.
Genome position (GRCh38, 1-based): chr19:6,707,137, G>A on the plus strand (C>T on the coding strand, the complement: C3 is on the minus strand). VCF-style: chr19-6707137-G-A. GRCh37 (hg19) VCF-style: chr19-6707148-G-A.
Other names: p.Cys728=; c.2184C>T (LRG_27t1).
Identifiers: ClinVar variation 330311 (VCV000330311.13), dbSNP rs200258941, ClinGen allele CA9129176.